The following is an entry in ClinVar:

NM_000051.4(ATM):c.7667C>G (p.Thr2556Ser)

Genes: ATM (ATM serine/threonine kinase; plus strand), C11orf65 (chromosome 11 open reading frame 65; minus strand). Cytogenetic location: 11q22.3.
Variant type: single nucleotide variant.
Coding change: c.7667C>G on transcript NM_000051.4 (MANE Select); coding-DNA position 7667, C replaced by G.
Protein change: p.Thr2556Ser; replaces threonine 2556 with serine.
Molecular consequence: missense variant. On other transcripts: intron variant (2).
Genome position (GRCh38, 1-based): chr11:108,331,916, C>G. VCF-style: chr11-108331916-C-G. GRCh37 (hg19) VCF-style: chr11-108202643-C-G.
Other names: c.7667C>G, p.Thr2556Ser (NM_001351834.2); c.641-22845G>C (NM_001330368.2); c.*38+3304G>C (NM_001351110.2); short protein forms T2556S.
Identifiers: ClinVar variation 2130896 (VCV002130896.4), dbSNP rs1226186392, ClinGen allele CA382560965.

ClinVar aggregate classification (germline): Uncertain significance (1 of 4 stars; one submission).

Conditions:
Ataxia-telangiectasia syndrome (AT). Also called: ATAXIA-TELANGIECTASIA, COMPLEMENTATION GROUP A; ATAXIA-TELANGIECTASIA, FRESNO VARIANT; Ataxia-telangiectasia; Ataxia-telangiectasia, complementation group E; LOUIS-BAR SYNDROME; Cerebello-oculocutaneous telangiectasia. Identifiers: Orphanet 100, MedGen C0004135, MONDO:0008840, OMIM 208900.

Submission:

Labcorp Genetics (formerly Invitae), Labcorp
Classification: Uncertain significance for Ataxia-telangiectasia syndrome. Last evaluated: 2022-04-26. Review status: criteria provided, single submitter. Criteria: Invitae Variant Classification Sherloc (09022015). Collection method: clinical testing. Allele origin: germline.
Comment: In summary, the available evidence is currently insufficient to determine the role of this variant in disease. Therefore, it has been classified as a Variant of Uncertain Significance. Algorithms developed to predict the effect of missense changes on protein structure and function (SIFT, PolyPhen-2, Align-GVGD) all suggest that this variant is likely to be tolerated. This variant has not been reported in the literature in individuals affected with ATM-related conditions. This variant is not present in population databases (gnomAD no frequency). This sequence change replaces threonine, which is neutral and polar, with serine, which is neutral and polar, at codon 2556 of the ATM protein (p.Thr2556Ser).